The following is an entry in ClinVar:

NM_001283009.2(RTEL1):c.2544T>C (p.Pro848=)

Genes: RTEL1 (regulator of telomere elongation helicase 1; plus strand), RTEL1-TNFRSF6B (RTEL1-TNFRSF6B readthrough (NMD candidate); plus strand). Cytogenetic location: 20q13.33.
Variant type: single nucleotide variant.
Coding change: c.2544T>C on transcript NM_001283009.2 (MANE Select); coding-DNA position 2544, T replaced by C.
Protein change: p.Pro848=; no amino-acid change (proline 848 retained).
Molecular consequence: synonymous variant. On other transcripts: non-coding transcript variant (1).
Genome position (GRCh38, 1-based): chr20:63,690,935, T>C. VCF-style: chr20-63690935-T-C. GRCh37 (hg19) VCF-style: chr20-62322288-T-C.
Other names: p.Pro872=; c.1875T>C, p.Pro625= (NM_001283010.1); c.2544T>C, p.Pro848= (NM_016434.4); c.2616T>C, p.Pro872= (NM_032957.5).
Identifiers: ClinVar variation 403401 (VCV000403401.28), dbSNP rs3208007, ClinGen allele CA9965387.

ClinVar aggregate classification (germline): Benign/Likely benign. Review status: criteria provided, multiple submitters, no conflicts (2 of 4 stars). 14 submissions from 13 submitters: Benign (10); Likely benign (1). 3 of the submissions do not count toward it. Last evaluated 2026-02-04.

Conditions:
Dyskeratosis congenita, autosomal recessive 5 (DKCB5). Identifiers: MedGen C3554656, MONDO:0014076, OMIM 615190.
Pulmonary fibrosis and/or bone marrow failure, Telomere-related, 3. Also called: PULMONARY FIBROSIS AND/OR BONE MARROW FAILURE SYNDROME, TELOMERE-RELATED, 3. Identifiers: Orphanet 2032, MedGen C4225346, MONDO:0014613, OMIM 616373.
Dyskeratosis congenita. Identifiers: Orphanet 1775, MedGen C0265965, MONDO:0015780.

Allele frequency attached by ClinVar (database versions not stated): 1000 Genomes Project 0.71805; 1000 Genomes Project 30x 0.72611; gnomAD exomes 0.73940 and 0.75648; ExAC 0.76529; gnomAD 0.80467 and 0.81548; TOPMed 0.80516; ESP Exome Variant Server 0.83530.
gnomAD v4.1: 1,181,912 of 1,553,268 alleles (76%); highest among the groups gnomAD compares: African/African-American, 94%; 456,312 homozygotes.

Submissions (14):

Labcorp Genetics (formerly Invitae), Labcorp
Classification: Benign for Dyskeratosis congenita, autosomal recessive 5; Pulmonary fibrosis and/or bone marrow failure, Telomere-related, 3. Last evaluated: 2026-02-04. Review status: criteria provided, single submitter. Criteria: Invitae Variant Classification Sherloc (09022015). Collection method: clinical testing. Allele origin: germline.

ARUP Laboratories, Molecular Genetics and Genomics, ARUP Laboratories
Classification: Benign. Last evaluated: 2025-07-21. Review status: criteria provided, single submitter. Criteria: ARUP Molecular Germline Variant Investigation Process 2024. Collection method: clinical testing. Allele origin: germline.

Blueprint Genetics
Classification: Likely benign. Last evaluated: 2024-11-28. Review status: criteria provided, single submitter. Criteria: ACMG Guidelines, 2015. Collection method: clinical testing. Allele origin: germline.

Unidad de Genómica Garrahan, Hospital de Pediatría Garrahan
Classification: Benign. Last evaluated: 2024-01-24. Review status: criteria provided, single submitter. Criteria: ACMG Guidelines, 2015. Collection method: clinical testing. Allele origin: germline. Affected: no. Observed: 85 variant alleles.
Comment: This variant is classified as Benign based on local population frequency. This variant was detected in 89% of patients studied by a panel of primary immunodeficiencies. Number of patients: 85. Only high quality variants are reported.

Genome-Nilou Lab
Classification: Benign for Dyskeratosis congenita, autosomal recessive 5. Last evaluated: 2021-07-10. Review status: criteria provided, single submitter. Criteria: ACMG Guidelines, 2015. Collection method: clinical testing. Allele origin: germline. Affected: no.

Genome-Nilou Lab
Classification: Benign for Pulmonary fibrosis and/or bone marrow failure, Telomere-related, 3. Last evaluated: 2021-07-10. Review status: criteria provided, single submitter. Criteria: ACMG Guidelines, 2015. Collection method: clinical testing. Allele origin: germline. Affected: no.

GeneDx
Classification: Benign. Last evaluated: 2018-11-28. Review status: criteria provided, single submitter. Criteria: GeneDx Variant Classification Process June 2021. Collection method: clinical testing. Allele origin: germline. Affected: yes.

Women's Health and Genetics/Laboratory Corporation of America, LabCorp
Classification: Benign. Last evaluated: 2017-07-10. Review status: criteria provided, single submitter. Criteria: LabCorp Variant Classification Summary - May 2015. Collection method: clinical testing. Allele origin: germline.
Comment: Variant summary: The c.2616T>C (p.Pro872=) in RTEL1 gene is a synonymous change that involves a non-conserved nucleotide. 5/5 programs in Alamut predict that this does not affect a normal splicing pattern, however no functional studies supporting these predictions were published at the time of evaluation. The variant is present in the control population dataset of ExAC at frequency of 0.7653 20201/26266 chrs tested), including numerous homozygous occurrences. This frequency exceeds the estimated maximum allele frequency for a pathogenic allele in this gene (0.0011). In addition, the variant is cited as Benign/Polymorphism by a reputable database/clinical laboratory. Taking together, based on the prevalence of this variant in general population the variant was classified as Benign.

Mayo Clinic Laboratories, Mayo Clinic
Classification: Benign. Last evaluated: 2016-09-21. Review status: criteria provided, single submitter. Criteria: ACMG Guidelines, 2015. Collection method: clinical testing. Allele origin: germline. Observed: 1,127 variant alleles.

Laboratory for Molecular Medicine, Mass General Brigham Personalized Medicine
Classification: Benign. Last evaluated: 2016-03-29. Review status: criteria provided, single submitter. Criteria: LMM Criteria. Collection method: clinical testing. Allele origin: germline.
Comment: Variant identified in a genome or exome case(s) and assessed due to predicted null impact of the variant or pathogenic assertions in the literature or databases. Disclaimer: This variant has not undergone full assessment. The following are preliminary notes: Frequency

Breakthrough Genomics
Classification: Benign. Review status: criteria provided, single submitter. Criteria: ACMG Guidelines, 2015. Collection method: not provided. Allele origin: germline. Inheritance: Autosomal recessive inheritance. Affected: yes.

Natera, Inc.
Classification: Benign for Dyskeratosis congenita. Last evaluated: 2020-09-16. Review status: no assertion criteria provided. Collection method: clinical testing. Allele origin: germline. Not counted in ClinVar's aggregate classification.

Clinical Genetics DNA and cytogenetics Diagnostics Lab, Erasmus MC, Erasmus Medical Center
Classification: Benign. Review status: no assertion criteria provided. Collection method: clinical testing. Allele origin: germline. Affected: yes. Study: VKGL Data-share Consensus. Not counted in ClinVar's aggregate classification.

Joint Genome Diagnostic Labs from Nijmegen and Maastricht, Radboudumc and MUMC+
Classification: Benign. Review status: no assertion criteria provided. Collection method: clinical testing. Allele origin: germline. Affected: yes. Study: VKGL Data-share Consensus. Not counted in ClinVar's aggregate classification.